The following is an entry in ClinVar:

NM_031229.4(RBCK1):c.37_38del (p.Leu13fs)

Gene: RBCK1 (RANBP2-type and C3HC4-type zinc finger containing 1; plus strand). Cytogenetic location: 20p13.
Variant type: Deletion.
Coding change: c.37_38del on transcript NM_031229.4 (MANE Select); coding-DNA positions 37 to 38, 2 bases deleted (CT; older notation c.37_38delCT).
Protein change: p.Leu13fs; shifts the reading frame from leucine 13.
Molecular consequence: frameshift variant. On other transcripts: 5 prime UTR variant (1), non-coding transcript variant (1), intron variant (2).
Genome position (GRCh38, 1-based): chr20:409,895-409,896, CT deleted. VCF-style (leftmost placement, unchanged base first): chr20-409894-CCT-C. GRCh37 (hg19) VCF-style: chr20-390538-CCT-C.
Other names: c.-313_-312del (NM_001323956.2); c.37_38del, p.Leu13fs (NM_001323960.2); c.88_89del, p.Leu30fs (NM_001410770.1); c.41+1116_41+1117del (NM_006462.6); c.-183+1116_-183+1117del (NM_001323958.2); short protein forms L13fs, L30fs.
Identifiers: ClinVar variation 4857597 (VCV004857597.1).
Genomic context (GRCh38, chr20:409,894, plus strand): 5'-TGAAAATAAACCCTGTGCTAACTGGCTCCTGCTGTACTGGCTTTCAGCAGAGGAAATGGC[CCT>C]GAGCCTCACCCGAGCAGTGGCGGGCGGGGATGAACAGGTGGCAATGAAGTGTGCCATCTG-3'

ClinVar aggregate classification (germline): Likely pathogenic (1 of 4 stars; one submission).

Conditions:
Polyglucosan body myopathy type 1 (PGBM1). Also called: Polyglucosan body myopathy 1 with or without immunodeficiency; POLYGLUCOSAN BODY MYOPATHY WITHOUT IMMUNODEFICIENCY. Identifiers: Orphanet 329173, Orphanet 397937, MedGen C4014605, MONDO:0014389, OMIM 615895.

Submission:

Department of Pediatrics, GMC Srinagar, Government Medical College Srinagar
Classification: Likely pathogenic for Polyglucosan body myopathy type 1. Last evaluated: 2026-06-20. Review status: criteria provided, single submitter. Criteria: ACMG Guidelines, 2015. Collection method: clinical testing. Allele origin: germline. Inheritance: Autosomal recessive inheritance. Affected: yes. Observed: 1 variant allele, 1 homozygote.
Comment: This variant (hg38 - chr20:409894 CCT>C) is classified as likely pathogenic as it a frameshift indel variant (LOF is mechanism of disease, NMD is predicted) and is absent in population databases (e.g., gnomAD v.4.1.1).